The following is an entry in ClinVar:

NM_001360016.2(G6PD):c.[376A>G;968T>C]

Variant type: Haplotype.
Identifiers: ClinVar variation 1065168 (VCV001065168.4).

ClinVar aggregate classification (germline): Pathogenic. Review status: criteria provided, multiple submitters, no conflicts (2 of 4 stars). 2 submissions from 2 submitters: Pathogenic (2). Last evaluated 2022-08-12.

Conditions:
Anemia, nonspherocytic hemolytic, due to G6PD deficiency (CNSHA1). Also called: Hemolytic anemia due to G6PD deficiency; Favism, susceptibility to; Class I glucose-6-phosphate dehydrogenase deficiency; ANEMIA, CONGENITAL, NONSPHEROCYTIC HEMOLYTIC, 1. Identifiers: Orphanet 466026, MedGen C2720289, MONDO:0010480, OMIM 300908.

Submissions (2):

Dunham Lab, University of Washington
Classification: Pathogenic for Anemia, nonspherocytic hemolytic, due to G6PD deficiency. Last evaluated: 2022-08-12. Review status: criteria provided, single submitter. Criteria: Bayesian ACMG Guidelines, 2018. Collection method: curation. Allele origin: maternal. Affected: yes.
Comment: Variant found in unrelated hemizygotes with deficiency, some with favism (PS4_M, PP4). In one family, hemizygote and heterozygous mother both have decreased G6PD activity (PP1). Decreased activity in red blood cells (2-25%) and when expressed in E. coli (PS3). 968T>C is below expected carrier frequency in gnomAD (PM2). Post_P 0.994 (odds of pathogenicity 1517, Prior_P 0.1).

Women's Health and Genetics/Laboratory Corporation of America, LabCorp
Classification: Pathogenic for Anemia, nonspherocytic hemolytic, due to G6PD deficiency. Last evaluated: 2021-04-14. Review status: criteria provided, single submitter. Criteria: LabCorp Variant Classification Summary - May 2015. Collection method: clinical testing. Allele origin: germline.
Comment: Variant summary: G6PD c.[466A>G;1058T>C] (p.[Asn156Asp;Leu353Pro]) is a complex allele and involves the alteration of multiple nucleotides. This complex variant c.[466A>G;1058T>C] has also been referred to as c.[376A>G;968T>C], G6PD Betica, G6PD Betica-Selma, or G6PD A- in the literature. The allele frequency of this complex variant could not be determined from population databases because the individual variants of the complex have different frequencies and the exact number of alleles representing a combination of the two variants in cis is unknown. However, based on the frequency of the least prevalent allele, namely, c.1058T>C, it can be estimated that the complex variant allele will be found at a frequency not to exceed 0.00053 in 183074 control chromosomes. The individual variants are both found most frequently within the African subpopulation in the gnomAD database. The complex variant, c.[466A>G;1058T>C] has been reported in the literature in multiple individuals affected with G6PD Deficiency and/or hemolytic anemia (e.g. Xu_1995, Vullliamy_1996, Arambula_2000, Rodrigues_2002). These data indicate that the variant is very likely to be associated with disease. At least one publication reports experimental evidence indicating reduced G6PD activity and substrate affinity in cells expressing the complex variant (e.g. Ramirez-Nava_2017). No other clinical diagnostic laboratories have submitted clinical-significance assessments for this complex variant to ClinVar after 2014. Based on the evidence outlined above, the variant was classified as pathogenic.

Literature cited by the submitters: PubMed 33636823 (cited by Dunham Lab, University of Washington); PubMed 28195434 (cited by Dunham Lab, University of Washington); PubMed 7803800 (cited by Dunham Lab, University of Washington and Women's Health and Genetics/Laboratory Corporation of America, LabCorp); PubMed 33072997 (cited by Dunham Lab, University of Washington); PubMed 2572288 (cited by Dunham Lab, University of Washington); PubMed 12064920 (cited by Dunham Lab, University of Washington and Women's Health and Genetics/Laboratory Corporation of America, LabCorp); PubMed 22963789 (cited by Dunham Lab, University of Washington); PubMed 8956035 (cited by Dunham Lab, University of Washington and Women's Health and Genetics/Laboratory Corporation of America, LabCorp); PubMed 12367584 (cited by Dunham Lab, University of Washington); PubMed 32387609 (cited by Dunham Lab, University of Washington); PubMed 11042039 (cited by Women's Health and Genetics/Laboratory Corporation of America, LabCorp); PubMed 16461316 (cited by Women's Health and Genetics/Laboratory Corporation of America, LabCorp); PubMed 31525211 (cited by Women's Health and Genetics/Laboratory Corporation of America, LabCorp); PubMed 29072585 (cited by Women's Health and Genetics/Laboratory Corporation of America, LabCorp).